The following is an entry in ClinVar:

ClinVar aggregate classification (germline): Likely benign (1 of 4 stars; one submission).

Submission:

CeGaT Center for Human Genetics Tuebingen
Classification: Likely benign. Last evaluated: 2023-06-01. Review status: criteria provided, single submitter. Criteria: CeGaT Center For Human Genetics Tuebingen Variant Classification Criteria Version 2. Collection method: clinical testing. Allele origin: germline. Affected: yes. Observed: 3 variant alleles.
Comment: CIT: BS2

NM_001206999.2(CIT):c.3157-37del

Gene: CIT (citron rho-interacting serine/threonine kinase; minus strand). Cytogenetic location: 12q24.23.
Variant type: Deletion.
Coding change: c.3157-37del on transcript NM_001206999.2 (MANE Select); 37 bases into the intron before coding-DNA position 3157, one base deleted (T; older notation c.3157-37delT).
Molecular consequence: intron variant.
Genome position (GRCh38, 1-based): chr12:119,734,394, A deleted on the plus strand (T on the coding strand, the reverse complement: CIT is on the minus strand); the first of 3 consecutive A bases (chr12:119,734,394-119,734,396); deleting any one gives the same sequence. VCF-style (leftmost placement, unchanged base first): chr12-119734393-TA-T. GRCh37 (hg19) VCF-style: chr12-120172198-TA-T.
Other names: c.3031-37del (NM_007174.3).
Identifiers: ClinVar variation 2643388 (VCV002643388.24), dbSNP rs559343715, ClinGen allele CA6821583.